The following is an entry in ClinVar:

ClinVar aggregate classification (germline): Uncertain significance. Review status: criteria provided, multiple submitters, no conflicts (2 of 4 stars). 2 submissions from 2 submitters: Uncertain significance (2). Last evaluated 2025-08-20.

Conditions:
Episodic ataxia type 2 (EA2). Also called: ATAXIA, EPISODIC, WITH NYSTAGMUS; ATAXIA, FAMILIAL PAROXYSMAL; CEREBELLAR ATAXIA, PAROXYSMAL, ACETAZOLAMIDE-RESPONSIVE; CEREBELLOPATHY, HEREDITARY PAROXYSMAL; ACETAZOLAMIDE-RESPONSIVE HEREDITARY PAROXYSMAL CEREBELLAR ATAXIA; EPISODIC ATAXIA, NYSTAGMUS-ASSOCIATED. Identifiers: Orphanet 97, MedGen C1720416, MONDO:0007163, OMIM 108500.
Developmental and epileptic encephalopathy, 42 (DEE42A). Also called: DEVELOPMENTAL AND EPILEPTIC ENCEPHALOPATHY 42A; EPILEPTIC ENCEPHALOPATHY, EARLY INFANTILE, 42A; Epileptic encephalopathy, early infantile, 42. Identifiers: MedGen C4310716, MONDO:0014917, OMIM 617106.

Allele frequency attached by ClinVar (database versions not stated): TOPMed below 0.00001; gnomAD 0.00001; 1000 Genomes Project 30x 0.00047.
gnomAD v4.1: 10 of 1,532,484 alleles (0.00065%); highest among the groups gnomAD compares: African/African-American, 0.0041%; no homozygotes.

Submissions (2):

Labcorp Genetics (formerly Invitae), Labcorp
Classification: Uncertain significance for Developmental and epileptic encephalopathy, 42; Episodic ataxia type 2. Last evaluated: 2025-08-20. Review status: criteria provided, single submitter. Criteria: Invitae Variant Classification Sherloc (09022015). Collection method: clinical testing. Allele origin: germline.
Comment: This sequence change replaces arginine, which is basic and polar, with glutamine, which is neutral and polar, at codon 2238 of the CACNA1A protein (p.Arg2238Gln). This variant is not present in population databases (gnomAD no frequency). This variant has not been reported in the literature in individuals affected with CACNA1A-related conditions. ClinVar contains an entry for this variant (Variation ID: 1494968). Invitae Evidence Modeling of protein sequence and biophysical properties (such as structural, functional, and spatial information, amino acid conservation, physicochemical variation, residue mobility, and thermodynamic stability) indicates that this missense variant is not expected to disrupt CACNA1A protein function with a negative predictive value of 95%. In summary, the available evidence is currently insufficient to determine the role of this variant in disease. Therefore, it has been classified as a Variant of Uncertain Significance.

Women's Health and Genetics/Laboratory Corporation of America, LabCorp
Classification: Uncertain significance. Last evaluated: 2024-09-12. Review status: criteria provided, single submitter. Criteria: LabCorp Variant Classification Summary - May 2015. Collection method: clinical testing. Allele origin: germline.
Comment: Variant summary: CACNA1A c.6713G>A (p.Arg2238Gln) results in a conservative amino acid change in the encoded protein sequence. Five of five in-silico tools predict a benign effect of the variant on protein function. The frequency data for this variant in gnomAD is considered unreliable, as metrics indicate poor data quality at this position. To our knowledge, no occurrence of c.6713G>A in individuals affected with Epileptic Encephalopathy, Early Infantile, 42 and no experimental evidence demonstrating its impact on protein function have been reported. ClinVar contains an entry for this variant (Variation ID: 1494968). Based on the evidence outlined above, the variant was classified as uncertain significance.

NM_001127222.2(CACNA1A):c.6710G>A (p.Arg2237Gln)

Genes: CACNA1A (calcium voltage-gated channel subunit alpha1 A; minus strand), LOC130063717 (ATAC-STARR-seq lymphoblastoid silent region 10203; plus strand). Cytogenetic location: 19p13.13.
Variant type: single nucleotide variant.
Coding change: c.6710G>A on transcript NM_001127222.2 (MANE Select); coding-DNA position 6710, G replaced by A.
Protein change: p.Arg2237Gln; replaces arginine 2237 with glutamine.
Molecular consequence: missense variant.
Genome position (GRCh38, 1-based): chr19:13,208,826, C>T on the plus strand (G>A on the coding strand, the complement: CACNA1A is on the minus strand). VCF-style: chr19-13208826-C-T. GRCh37 (hg19) VCF-style: chr19-13319640-C-T.
Other names: c.6728G>A, p.Arg2243Gln (NM_000068.4, NM_023035.3); c.6713G>A, p.Arg2238Gln (NM_001127221.2); c.6719G>A, p.Arg2240Gln (NM_001174080.2); short protein forms R2243Q, R2240Q, R2237Q, R2238Q.
Identifiers: ClinVar variation 1494968 (VCV001494968.9), dbSNP rs765309213, ClinGen allele CA9239286.
Genomic context (GRCh38, chr19:13,208,826, plus strand): 5'-GCCATGTGCTCTCGGCCCTCGCTGGGCGAGCGGGACCAGCGCTGGTCCCGAGCCCGTGCC[C>T]GGCCGTGGTCCGGCCGTTCCTGGGCATAGCGGTCCTTGTCGGGGGGCGGGGGATGGTGGT-3'
Protein context (NP_001120694.1, residues 2227-2247): RYAQERPDHG[Arg2237Gln]ARARDQRWSR